The following is an entry in ClinVar:

NM_001142800.2(EYS):c.932dup (p.Asn311fs)

Gene: EYS (EGF-like photoreceptor maintenance factor; minus strand). Cytogenetic location: 6q12.
Variant type: Duplication.
Coding change: c.932dup on transcript NM_001142800.2 (MANE Select); coding-DNA position 932, one base duplicated (A; older notation c.932dupA).
Protein change: p.Asn311fs; shifts the reading frame from asparagine 311.
Molecular consequence: frameshift variant.
Genome position (GRCh38, 1-based): chr6:65,405,298, T duplicated on the plus strand (A on the coding strand, the reverse complement: EYS is on the minus strand); the first of 3 consecutive T bases (chr6:65,405,298-65,405,300); duplicating any one gives the same sequence. VCF-style (leftmost placement, unchanged base first): chr6-65405297-A-AT. GRCh37 (hg19) VCF-style: chr6-66115190-A-AT.
Other names: c.932dup, p.Asn311fs (NM_001142801.2, NM_001292009.2, NM_198283.2); short protein forms N311fs.
Identifiers: ClinVar variation 5012193 (VCV005012193.1).

ClinVar aggregate classification (germline): Pathogenic (1 of 4 stars; one submission).

Conditions:
Retinitis pigmentosa 25 (RP25). Identifiers: Orphanet 791, MedGen C1864446, MONDO:0011272, OMIM 602772.

Submission:

Myriad Genetics, Inc.
Classification: Pathogenic for Retinitis pigmentosa 25. Last evaluated: 2024-05-14. Review status: criteria provided, single submitter. Criteria: Myriad Autosomal Dominant, Autosomal Recessive and X-Linked Classification Criteria (2023). Collection method: clinical testing. Allele origin: unknown.
Comment: NM_001142800.1(EYS):c.932dupA(N311Kfs*2) is expected to be pathogenic in the context of retinitis pigmentosa, EYS-related. This variant is predicted to lead to an abnormal or absent protein product due to the creation of a premature termination codon in EYS, a gene where loss-of-function variants are known to be pathogenic. Please note: this variant was assessed in the context of healthy population screening.